The following is an entry in ClinVar:

NM_003359.4(UGDH):c.1423C>T (p.Pro475Ser)

Gene: UGDH (UDP-glucose 6-dehydrogenase; minus strand). Cytogenetic location: 4p14.
Variant type: single nucleotide variant.
Coding change: c.1423C>T on transcript NM_003359.4 (MANE Select); coding-DNA position 1423, C replaced by T.
Protein change: p.Pro475Ser; replaces proline 475 with serine.
Molecular consequence: missense variant.
Genome position (GRCh38, 1-based): chr4:39,500,205, G>A on the plus strand (C>T on the coding strand, the complement: UGDH is on the minus strand). VCF-style: chr4-39500205-G-A. GRCh37 (hg19) VCF-style: chr4-39501825-G-A.
Other names: c.1222C>T, p.Pro408Ser (NM_001184700.2); c.1132C>T, p.Pro378Ser (NM_001184701.2); short protein forms P475S, P378S, P408S.
Identifiers: ClinVar variation 2285619 (VCV002285619.26), dbSNP rs146932231, ClinGen allele CA2894904.

ClinVar aggregate classification (germline): Uncertain significance. Review status: criteria provided, multiple submitters, no conflicts (2 of 4 stars). 2 submissions from 2 submitters: Uncertain significance (2). Last evaluated 2025-04-25.

Conditions:
Inborn genetic diseases. Identifiers: MedGen C0950123, MeSH D030342.

Allele frequency attached by ClinVar (database versions not stated): gnomAD 0.00050; ESP Exome Variant Server 0.00054; gnomAD exomes 0.00056; TOPMed 0.00063; 1000 Genomes Project 30x 0.00016; 1000 Genomes Project 0.00020; ExAC 0.00049.
gnomAD v4.1: 891 of 1,605,452 alleles (0.055%); highest among the groups gnomAD compares: Middle Eastern, 0.12%; no homozygotes.

Submissions (2):

Ambry Genetics
Classification: Uncertain significance for Inborn genetic diseases. Last evaluated: 2025-04-25. Review status: criteria provided, single submitter. Criteria: Ambry Variant Classification Scheme 2023. Collection method: clinical testing. Allele origin: germline.

CeGaT Center for Human Genetics Tuebingen
Classification: Uncertain significance. Last evaluated: 2023-11-01. Review status: criteria provided, single submitter. Criteria: CeGaT Center For Human Genetics Tuebingen Variant Classification Criteria Version 2. Collection method: clinical testing. Allele origin: germline. Affected: yes. Observed: 2 variant alleles.
Comment: UGDH: PM2, BP4